The following is an entry in ClinVar:

NM_001040716.2(PC):c.3107G>A (p.Arg1036His)

Gene: PC (pyruvate carboxylase; minus strand). Cytogenetic location: 11q13.2.
Variant type: single nucleotide variant.
Coding change: c.3107G>A on transcript NM_001040716.2 (MANE Select); coding-DNA position 3107, G replaced by A.
Protein change: p.Arg1036His; replaces arginine 1036 with histidine.
Molecular consequence: missense variant.
Genome position (GRCh38, 1-based): chr11:66,849,651, C>T on the plus strand (G>A on the coding strand, the complement: PC is on the minus strand). VCF-style: chr11-66849651-C-T. GRCh37 (hg19) VCF-style: chr11-66617122-C-T.
Other names: p.R1036H:CGC>CAC; c.3107G>A, p.Arg1036His (NM_000920.4, NM_022172.3); short protein forms R1036H.
Identifiers: ClinVar variation 203917 (VCV000203917.30), dbSNP rs141237842, ClinGen allele CA312911.

ClinVar aggregate classification (germline): Conflicting classifications of pathogenicity. Review status: criteria provided, conflicting classifications (1 of 4 stars). 11 submissions from 11 submitters: Uncertain significance (10); Likely benign (1). Last evaluated 2026-01-31.

Conditions:
Inborn genetic diseases. Identifiers: MedGen C0950123, MeSH D030342.
Pyruvate carboxylase deficiency. Also called: ATAXIA WITH LACTIC ACIDOSIS II; Pyruvate Carboxylase Deficiency Disease; LEIGH NECROTIZING ENCEPHALOPATHY DUE TO PYRUVATE CARBOXYLASE DEFICIENCY; LEIGH SYNDROME DUE TO PYRUVATE CARBOXYLASE DEFICIENCY; PC DEFICIENCY. Identifiers: Orphanet 3008, MedGen C0034341, MONDO:0009949, OMIM 266150.

Allele frequency attached by ClinVar (database versions not stated): TOPMed 0.00055; gnomAD 0.00057; ExAC 0.00062; ESP Exome Variant Server 0.00115.
gnomAD v4.1: 1,488 of 1,614,136 alleles (0.092%); highest among the groups gnomAD compares: Non-Finnish European, 0.11%; 4 homozygotes.

Submissions (11):

Labcorp Genetics (formerly Invitae), Labcorp
Classification: Likely benign for Pyruvate carboxylase deficiency. Last evaluated: 2026-01-31. Review status: criteria provided, single submitter. Criteria: Invitae Variant Classification Sherloc (09022015). Collection method: clinical testing. Allele origin: germline.

GeneDx
Classification: Uncertain significance. Last evaluated: 2025-07-14. Review status: criteria provided, single submitter. Criteria: GeneDx Variant Classification Process June 2021. Collection method: clinical testing. Allele origin: germline. Affected: yes.
Comment: Has not been previously published as pathogenic or benign to our knowledge; In silico analysis supports that this missense variant has a deleterious effect on protein structure/function

Blueprint Genetics
Classification: Uncertain significance. Last evaluated: 2024-11-23. Review status: criteria provided, single submitter. Criteria: ACMG Guidelines, 2015. Collection method: clinical testing. Allele origin: germline.

Baylor Genetics
Classification: Uncertain significance for Pyruvate carboxylase deficiency. Last evaluated: 2023-09-13. Review status: criteria provided, single submitter. Criteria: ACMG Guidelines, 2015. Collection method: clinical testing. Allele origin: unknown.

Ambry Genetics
Classification: Uncertain significance for Inborn genetic diseases. Last evaluated: 2022-02-15. Review status: criteria provided, single submitter. Criteria: Ambry Variant Classification Scheme 2023. Collection method: clinical testing. Allele origin: germline.
Comment: The c.3107G>A (p.R1036H) alteration is located in exon 20 (coding exon 18) of the PC gene. This alteration results from a G to A substitution at nucleotide position 3107, causing the arginine (R) at amino acid position 1036 to be replaced by a histidine (H). The in silico prediction for the p.R1036H alteration is inconclusive. Based on insufficient or conflicting evidence, the clinical significance of this alteration remains unclear.

Department of Pathology and Laboratory Medicine, Sinai Health System
Classification: Uncertain significance for Pyruvate carboxylase deficiency. Last evaluated: 2021-07-30. Review status: criteria provided, single submitter. Criteria: ACMG Guidelines, 2015. Collection method: research. Allele origin: germline.

Revvity Omics, Revvity
Classification: Uncertain significance for Pyruvate carboxylase deficiency. Last evaluated: 2019-01-15. Review status: criteria provided, single submitter. Criteria: ACMG Guidelines, 2015. Collection method: clinical testing. Allele origin: germline.

Fulgent Genetics
Classification: Uncertain significance for Pyruvate carboxylase deficiency. Last evaluated: 2018-10-31. Review status: criteria provided, single submitter. Criteria: ACMG Guidelines, 2015. Collection method: clinical testing. Allele origin: unknown.

ARUP Laboratories, Molecular Genetics and Genomics, ARUP Laboratories
Classification: Uncertain significance. Last evaluated: 2018-02-18. Review status: criteria provided, single submitter. Criteria: ARUP Molecular Germline Variant Investigation Process. Collection method: clinical testing. Allele origin: germline.
Comment: The PC c.3107G>A; p.Arg1036His variant (rs141237842), to our knowledge, is not reported in the medical literature but it is reported as a variant of uncertain significance in ClinVar (Variation ID: 203917). This variant is also found in the general population with an overall allele frequency of 0.055% (153/277,110 alleles) in the Genome Aggregation Database. The arginine at codon 1036 is highly conserved considering 15 species up to C. elegans (Alamut software v2.10.0), but computational analyses predict conflicting effects of this variant on protein structure/function (SIFT: damaging, PolyPhen2: benign). Based on the available information, the clinical significance of the p.Arg1036His variant is uncertain at this time.

Illumina Laboratory Services, Illumina
Classification: Uncertain significance for Pyruvate carboxylase deficiency. Last evaluated: 2017-04-27. Review status: criteria provided, single submitter. Criteria: ICSL Variant Classification Criteria 13 December 2019. Collection method: clinical testing. Allele origin: germline.

Center for Pediatric Genomic Medicine, Children's Mercy Hospital and Clinics
Classification: Uncertain significance. Last evaluated: 2016-11-18. Review status: criteria provided, single submitter. Criteria: ACMG Guidelines, 2015. Collection method: clinical testing. Allele origin: germline.
ClinVar note: Converted during submission from Uncertain Significance to Uncertain significance.